The following is an entry in ClinVar:

ClinVar aggregate classification (germline): Pathogenic. Review status: criteria provided, multiple submitters, no conflicts (2 of 4 stars). 2 submissions from 2 submitters: Pathogenic (2). Last evaluated 2023-09-20.

Conditions:
Hereditary cancer-predisposing syndrome. Also called: Tumor predisposition; Hereditary neoplastic syndrome; Neoplastic Syndromes, Hereditary; Hereditary Cancer Syndrome. Identifiers: Orphanet 140162, MedGen C0027672, MeSH D009386, MONDO:0015356.
Lynch syndrome 4 (LYNCH4). Also called: Hereditary non-polyposis colorectal cancer, type 4; Colorectal cancer, hereditary nonpolyposis, type 4. Identifiers: Orphanet 144, MedGen C1838333, MONDO:0013699, OMIM 614337. Disease mechanism: loss of function.

Submissions (2):

Myriad Genetics, Inc.
Classification: Pathogenic for Lynch syndrome 4. Last evaluated: 2023-09-20. Review status: criteria provided, single submitter. Criteria: Myriad Autosomal Dominant, Autosomal Recessive and X-Linked Classification Criteria (2023). Collection method: clinical testing. Allele origin: unknown.
Comment: This variant is considered pathogenic. This variant creates a termination codon and is predicted to result in premature protein truncation.

Color Diagnostics, LLC DBA Color Health
Classification: Pathogenic for Hereditary cancer-predisposing syndrome. Last evaluated: 2023-04-03. Review status: criteria provided, single submitter. Criteria: ACMG Guidelines, 2015. Collection method: clinical testing. Allele origin: germline.
Comment: This variant changes 1 nucleotide in exon 11 of the PMS2 gene, creating a premature translation stop signal. This variant is expected to result in an absent or non-functional protein product. To our knowledge, this variant has not been reported in individuals affected with PMS2-related disorders in the literature. This variant has not been identified in the general population by the Genome Aggregation Database (gnomAD). Loss of PMS2 function is a known mechanism of disease. Based on the available evidence, this variant is classified as Pathogenic.

NM_000535.7(PMS2):c.1217T>G (p.Leu406Ter)

Gene: PMS2 (PMS1 homolog 2, mismatch repair system component; minus strand). Cytogenetic location: 7p22.1.
Variant type: single nucleotide variant.
Coding change: c.1217T>G on transcript NM_000535.7 (MANE Select); coding-DNA position 1217, T replaced by G.
Protein change: p.Leu406Ter; replaces leucine 406 with a stop codon.
Molecular consequence: nonsense. On other transcripts: non-coding transcript variant (1), intron variant (1).
Genome position (GRCh38, 1-based): chr7:5,987,548, A>C on the plus strand (T>G on the coding strand, the complement: PMS2 is on the minus strand). VCF-style: chr7-5987548-A-C. GRCh37 (hg19) VCF-style: chr7-6027179-A-C.
Other names: c.812T>G, p.Leu271Ter (NM_001018040.1, NM_001322003.2, NM_001322004.2 and 17 more transcripts); c.1061T>G, p.Leu354Ter (NM_001322006.2, NM_001406870.1); c.899T>G, p.Leu300Ter (NM_001322007.2, NM_001322008.2, NM_001406876.1 and 2 more transcripts); c.656T>G, p.Leu219Ter (NM_001322010.2, NM_001406906.1, NM_001406907.1); c.284T>G, p.Leu95Ter (NM_001322011.2, NM_001322012.2); c.644T>G, p.Leu215Ter (NM_001322013.2, NM_001406909.1); c.1217T>G, p.Leu406Ter (NM_001322014.2, NM_001406871.1, NM_001406872.1); c.908T>G, p.Leu303Ter (NM_001322015.2, NM_001406875.1, NM_001406877.1 and 5 more transcripts); and 13 more; short protein forms L149*, L215*, L219*, L235*, L248*, L251*, L271*, L284*.
Identifiers: ClinVar variation 2674210 (VCV002674210.3), dbSNP rs759692592, ClinGen allele CA366742546.